The following is an entry in ClinVar:

NM_005219.5(DIAPH1):c.3157G>A (p.Glu1053Lys)

Gene: DIAPH1 (diaphanous related formin 1; minus strand). Cytogenetic location: 5q31.3.
Variant type: single nucleotide variant.
Coding change: c.3157G>A on transcript NM_005219.5 (MANE Select); coding-DNA position 3157, G replaced by A.
Protein change: p.Glu1053Lys; replaces glutamic acid 1053 with lysine.
Molecular consequence: missense variant.
Genome position (GRCh38, 1-based): chr5:141,527,689, C>T on the plus strand (G>A on the coding strand, the complement: DIAPH1 is on the minus strand). VCF-style: chr5-141527689-C-T. GRCh37 (hg19) VCF-style: chr5-140907256-C-T.
Other names: c.3130G>A, p.Glu1044Lys (NM_001079812.3); c.3157G>A, p.Glu1053Lys (NM_001314007.2); short protein forms E1044K, E1053K.
Identifiers: ClinVar variation 575625 (VCV000575625.10), dbSNP rs1003389476, ClinGen allele CA128424566.

ClinVar aggregate classification (germline): Uncertain significance. Review status: criteria provided, multiple submitters, no conflicts (2 of 4 stars). 2 submissions from 2 submitters: Uncertain significance (2). Last evaluated 2025-07-31.

Conditions:
Progressive microcephaly-seizures-cortical blindness-developmental delay syndrome. Also called: Seizures, cortical blindness, and microcephaly syndrome. Identifiers: Orphanet 477814, MedGen C5567650, MONDO:0014714, OMIM 616632.
Autosomal dominant nonsyndromic hearing loss 1. Also called: DEAFNESS, AUTOSOMAL DOMINANT 1, WITH OR WITHOUT THROMBOCYTOPENIA; KONIGSMARK SYNDROME. Identifiers: Orphanet 90635, MedGen C1852282, MONDO:0007424, OMIM 124900.

Submissions (2):

Labcorp Genetics (formerly Invitae), Labcorp
Classification: Uncertain significance for Progressive microcephaly-seizures-cortical blindness-developmental delay syndrome; Autosomal dominant nonsyndromic hearing loss 1. Last evaluated: 2025-07-31. Review status: criteria provided, single submitter. Criteria: Invitae Variant Classification Sherloc (09022015). Collection method: clinical testing. Allele origin: germline.
Comment: This sequence change replaces glutamic acid, which is acidic and polar, with lysine, which is basic and polar, at codon 1053 of the DIAPH1 protein (p.Glu1053Lys). This variant is not present in population databases (gnomAD no frequency). This variant has not been reported in the literature in individuals affected with DIAPH1-related conditions. ClinVar contains an entry for this variant (Variation ID: 575625). An algorithm developed to predict the effect of missense changes on protein structure and function (PolyPhen-2) suggests that this variant is likely to be disruptive. In summary, the available evidence is currently insufficient to determine the role of this variant in disease. Therefore, it has been classified as a Variant of Uncertain Significance.

Fulgent Genetics
Classification: Uncertain significance for Autosomal dominant nonsyndromic hearing loss 1; Progressive microcephaly-seizures-cortical blindness-developmental delay syndrome. Last evaluated: 2021-07-30. Review status: criteria provided, single submitter. Criteria: ACMG Guidelines, 2015. Collection method: clinical testing. Allele origin: unknown.